The following is an entry in ClinVar:

ClinVar aggregate classification (germline): Uncertain significance (1 of 4 stars; one submission).

Submission:

GeneDx
Classification: Uncertain significance. Last evaluated: 2024-04-05. Review status: criteria provided, single submitter. Criteria: GeneDx Variant Classification Process June 2021. Collection method: clinical testing. Allele origin: germline. Affected: yes.
Comment: Not observed at significant frequency in large population cohorts (gnomAD); In silico analysis indicates that this missense variant does not alter protein structure/function; Has not been previously published as pathogenic or benign to our knowledge

NM_005027.4(PIK3R2):c.1396G>A (p.Glu466Lys)

Gene: PIK3R2 (phosphoinositide-3-kinase regulatory subunit 2; plus strand). Cytogenetic location: 19p13.11.
Variant type: single nucleotide variant.
Coding change: c.1396G>A on transcript NM_005027.4 (MANE Select); coding-DNA position 1396, G replaced by A.
Protein change: p.Glu466Lys; replaces glutamic acid 466 with lysine.
Molecular consequence: missense variant. On other transcripts: non-coding transcript variant (2).
Genome position (GRCh38, 1-based): chr19:18,163,368, G>A. VCF-style: chr19-18163368-G-A. GRCh37 (hg19) VCF-style: chr19-18274178-G-A.
Other names: short protein forms E466K.
Identifiers: ClinVar variation 3372132 (VCV003372132.1).